The following is an entry in ClinVar:

NM_153676.4(USH1C):c.2616C>T (p.Ala872=)

Gene: USH1C (USH1 protein network component harmonin; minus strand). Cytogenetic location: 11p15.1.
Variant type: single nucleotide variant.
Coding change: c.2616C>T on transcript NM_153676.4 (MANE Select); coding-DNA position 2616, C replaced by T.
Protein change: p.Ala872=; no amino-acid change (alanine 872 retained).
Molecular consequence: synonymous variant. On other transcripts: intron variant (2).
Genome position (GRCh38, 1-based): chr11:17,495,608, G>A on the plus strand (C>T on the coding strand, the complement: USH1C is on the minus strand). VCF-style: chr11-17495608-G-A. GRCh37 (hg19) VCF-style: chr11-17517155-G-A.
Other names: c.1589+1150C>T (NM_001297764.2); c.1646+1150C>T (NM_005709.4).
Identifiers: ClinVar variation 504696 (VCV000504696.10), dbSNP rs141591891, ClinGen allele CA5904078.

ClinVar aggregate classification (germline): Likely benign. Review status: criteria provided, multiple submitters, no conflicts (2 of 4 stars). 4 submissions from 4 submitters: Likely benign (4). Last evaluated 2025-05-28.

Conditions:
USH1C-related disorder. Also called: USH1C-related condition.

Allele frequency attached by ClinVar (database versions not stated): gnomAD exomes 0.00007; ExAC 0.00008; ESP Exome Variant Server 0.00015; gnomAD 0.00025 and 0.00026; TOPMed 0.00025.
gnomAD v4.1: 67 of 1,614,086 alleles (0.0042%); highest among the groups gnomAD compares: African/African-American, 0.069%; no homozygotes.

Submissions (4):

PreventionGenetics, part of Exact Sciences
Classification: Likely benign for USH1C-related condition. Last evaluated: 2025-05-28. Review status: criteria provided, single submitter. Criteria: ACMG Guidelines, 2015. Collection method: clinical testing. Allele origin: germline.
Comment: This variant is classified as likely benign based on ACMG/AMP sequence variant interpretation guidelines (Richards et al. 2015 PMID: 25741868, with internal and published modifications).

Blueprint Genetics
Classification: Likely benign. Last evaluated: 2022-01-20. Review status: criteria provided, single submitter. Criteria: ACMG Guidelines, 2015. Collection method: clinical testing. Allele origin: germline.

GeneDx
Classification: Likely benign. Last evaluated: 2021-03-03. Review status: criteria provided, single submitter. Criteria: GeneDx Variant Classification Process June 2021. Collection method: clinical testing. Allele origin: germline. Affected: yes.

Laboratory for Molecular Medicine, Mass General Brigham Personalized Medicine
Classification: Likely benign. Last evaluated: 2017-01-13. Review status: criteria provided, single submitter. Criteria: LMM Criteria. Collection method: clinical testing. Allele origin: germline. Observed: 1 variant allele.
Comment: p.Ala872Ala in Exon 26 of USH1C: This variant is not expected to have clinical s ignificance because it does not alter an amino acid residue, is not located with in the splice consensus sequence, and has been identified in 10/10394 African ch romosomes by the Exome Aggregation Consortium (ExAC. org; dbSNP rs141591891).